The following is an entry in ClinVar:

NM_000814.6(GABRB3):c.598G>A (p.Val200Ile)

Gene: GABRB3 (gamma-aminobutyric acid type A receptor subunit beta3; minus strand). Cytogenetic location: 15q12.
Variant type: single nucleotide variant.
Coding change: c.598G>A on transcript NM_000814.6 (MANE Select); coding-DNA position 598, G replaced by A.
Protein change: p.Val200Ile; replaces valine 200 with isoleucine.
Molecular consequence: missense variant.
Genome position (GRCh38, 1-based): chr15:26,580,403, C>T on the plus strand (G>A on the coding strand, the complement: GABRB3 is on the minus strand). VCF-style: chr15-26580403-C-T. GRCh37 (hg19) VCF-style: chr15-26825550-C-T.
Other names: c.343G>A, p.Val115Ile (NM_001191320.2, NM_001278631.2); c.385G>A, p.Val129Ile (NM_001191321.3); c.598G>A, p.Val200Ile (NM_021912.5); short protein forms V129I, V200I, V115I.
Identifiers: ClinVar variation 1397516 (VCV001397516.6), dbSNP rs372359936, ClinGen allele CA7437402.

ClinVar aggregate classification (germline): Uncertain significance (1 of 4 stars; one submission).

Conditions:
Epilepsy, childhood absence, susceptibility to, 5. Identifiers: Orphanet 64280, MedGen C2677087, MONDO:0012843, OMIM 612269.
Epilepsy, childhood absence, susceptibility to, 1. Also called: Epilepsy, childhood absence 1. Identifiers: Orphanet 64280, MedGen C1838604, MONDO:0020759, OMIM 600131.

Allele frequency attached by ClinVar (database versions not stated): gnomAD exomes below 0.00001 and 0.00001; TOPMed below 0.00001; gnomAD 0.00001; ExAC 0.00002; ESP Exome Variant Server 0.00008.
gnomAD v4.1: 2 of 1,614,090 alleles (0.00012%); highest among the groups gnomAD compares: South Asian, 0.0011%; no homozygotes.

Submission:

Labcorp Genetics (formerly Invitae), Labcorp
Classification: Uncertain significance for Epilepsy, childhood absence, susceptibility to, 5; Epilepsy, childhood absence, susceptibility to, 1. Last evaluated: 2023-08-24. Review status: criteria provided, single submitter. Criteria: Invitae Variant Classification Sherloc (09022015). Collection method: clinical testing. Allele origin: germline.
Comment: This variant is present in population databases (rs372359936, gnomAD 0.003%). This sequence change replaces valine, which is neutral and non-polar, with isoleucine, which is neutral and non-polar, at codon 200 of the GABRB3 protein (p.Val200Ile). This variant has not been reported in the literature in individuals affected with GABRB3-related conditions. ClinVar contains an entry for this variant (Variation ID: 1397516). Advanced modeling of protein sequence and biophysical properties (such as structural, functional, and spatial information, amino acid conservation, physicochemical variation, residue mobility, and thermodynamic stability) has been performed at Invitae for this missense variant, however the output from this modeling did not meet the statistical confidence thresholds required to predict the impact of this variant on GABRB3 protein function. Experimental studies have shown that this missense change affects GABRB3 function (PMID: 27622563). In summary, the available evidence is currently insufficient to determine the role of this variant in disease. Therefore, it has been classified as a Variant of Uncertain Significance.

Literature cited by the submitters: PubMed 27622563.